The following is an entry in ClinVar:

NM_001384732.1(CPLANE1):c.6094G>T (p.Glu2032Ter)

Gene: CPLANE1 (ciliogenesis and planar polarity effector complex subunit 1; minus strand). Cytogenetic location: 5p13.2.
Variant type: single nucleotide variant.
Coding change: c.6094G>T on transcript NM_001384732.1 (MANE Select); coding-DNA position 6094, G replaced by T.
Protein change: p.Glu2032Ter; replaces glutamic acid 2032 with a stop codon.
Molecular consequence: nonsense.
Genome position (GRCh38, 1-based): chr5:37,173,832, C>A on the plus strand (G>T on the coding strand, the complement: CPLANE1 is on the minus strand). VCF-style: chr5-37173832-C-A. GRCh37 (hg19) VCF-style: chr5-37173934-C-A.
Other names: c.6094G>T, p.Glu2032Ter (NM_023073.4); short protein forms E2032*.
Identifiers: ClinVar variation 2711400 (VCV002711400.3), dbSNP rs2547674495, ClinGen allele CA359484895.

ClinVar aggregate classification (germline): Pathogenic (1 of 4 stars; one submission).

Submission:

Labcorp Genetics (formerly Invitae), Labcorp
Classification: Pathogenic. Last evaluated: 2024-01-25. Review status: criteria provided, single submitter. Criteria: Invitae Variant Classification Sherloc (09022015). Collection method: clinical testing. Allele origin: germline.
Comment: This sequence change creates a premature translational stop signal (p.Glu2032*) in the CPLANE1 gene. It is expected to result in an absent or disrupted protein product. Loss-of-function variants in CPLANE1 are known to be pathogenic (PMID: 24178751, 26092869). This variant is not present in population databases (gnomAD no frequency). This variant has not been reported in the literature in individuals affected with CPLANE1-related conditions. For these reasons, this variant has been classified as Pathogenic.

Literature cited by the submitters: PubMed 24178751; PubMed 26092869.